The following is an entry in ClinVar:

NM_003036.4(SKI):c.1A>G (p.Met1Val)

Gene: SKI (SKI proto-oncogene; plus strand). Cytogenetic location: 1p36.33.
Variant type: single nucleotide variant.
Coding change: c.1A>G on transcript NM_003036.4 (MANE Select); coding-DNA position 1, A replaced by G.
Protein change: p.Met1Val; changes the start codon (methionine 1).
Molecular consequence: missense variant, initiator codon variant.
Genome position (GRCh38, 1-based): chr1:2,228,767, A>G. VCF-style: chr1-2228767-A-G. GRCh37 (hg19) VCF-style: chr1-2160206-A-G.
Other names: short protein forms M1V.
Identifiers: ClinVar variation 4076597 (VCV004076597.1).
Genomic context (GRCh38, chr1:2,228,767, plus strand): 5'-GGGGGCCGGGGGGGCCCGGGCGCGCGGGAGCGGGAGCGGCCGGGGGAGCCGGAGCGCACC[A>G]TGGAGGCGGCGGCAGGCGGCCGCGGCTGTTTCCAGCCGCACCCGGGGCTGCAGAAGACGC-3'
Protein context (NP_003027.1, residues 1-11): [Met1Val]EAAAGGRGCF

ClinVar aggregate classification (germline): Uncertain significance (1 of 4 stars; one submission).

Submission:

GeneDx
Classification: Uncertain significance. Last evaluated: 2025-02-21. Review status: criteria provided, single submitter. Criteria: GeneDx Variant Classification Process June 2021. Collection method: clinical testing. Allele origin: germline. Affected: yes.
Comment: Not observed at significant frequency in large population cohorts (gnomAD); Has not been previously published as pathogenic or benign to our knowledge; Initiation codon variant in a gene for which loss-of-function is not an established mechanism of disease